The following is an entry in ClinVar:

ClinVar aggregate classification (germline): Uncertain significance (1 of 4 stars; one submission).

Conditions:
Inborn genetic diseases. Identifiers: MedGen C0950123, MeSH D030342.

Submission:

Ambry Genetics
Classification: Uncertain significance for Inborn genetic diseases. Last evaluated: 2024-03-22. Review status: criteria provided, single submitter. Criteria: Ambry Variant Classification Scheme 2023. Collection method: clinical testing. Allele origin: germline.
Comment: The p.C1207F variant (also known as c.3620G>T), located in coding exon 19 of the ATR gene, results from a G to T substitution at nucleotide position 3620. The cysteine at codon 1207 is replaced by phenylalanine, an amino acid with highly dissimilar properties. This amino acid position is conserved. In addition, this alteration is predicted to be tolerated by in silico analysis. Based on the available evidence, the clinical significance of this alteration remains unclear.

NM_001184.4(ATR):c.3620G>T (p.Cys1207Phe)

Gene: ATR (ATR serine/threonine kinase; minus strand). Cytogenetic location: 3q23.
Variant type: single nucleotide variant.
Coding change: c.3620G>T on transcript NM_001184.4 (MANE Select); coding-DNA position 3620, G replaced by T.
Protein change: p.Cys1207Phe; replaces cysteine 1207 with phenylalanine.
Molecular consequence: missense variant.
Genome position (GRCh38, 1-based): chr3:142,538,587, C>A on the plus strand (G>T on the coding strand, the complement: ATR is on the minus strand). VCF-style: chr3-142538587-C-A. GRCh37 (hg19) VCF-style: chr3-142257429-C-A.
Other names: c.3428G>T, p.Cys1143Phe (NM_001354579.2); short protein forms C1207F, C1143F.
Identifiers: ClinVar variation 3331330 (VCV003331330.1).